The following is an entry in ClinVar:

ClinVar aggregate classification (germline): Pathogenic (1 of 4 stars; one submission).

Conditions:
Hereditary cancer-predisposing syndrome. Also called: Tumor predisposition; Hereditary Cancer Syndrome; Hereditary neoplastic syndrome; Neoplastic Syndromes, Hereditary. Identifiers: Orphanet 140162, MedGen C0027672, MeSH D009386, MONDO:0015356.

Submission:

Ambry Genetics
Classification: Pathogenic for Hereditary cancer-predisposing syndrome. Last evaluated: 2023-02-02. Review status: criteria provided, single submitter. Criteria: Ambry Variant Classification Scheme 2023. Collection method: clinical testing. Allele origin: germline.
Comment: The c.6335dupG pathogenic mutation, located in coding exon 42 of the ATM gene, results from a duplication of G at nucleotide position 6335, causing a translational frameshift with a predicted alternate stop codon (p.C2112Wfs*15). This variant is considered to be rare based on population cohorts in the Genome Aggregation Database (gnomAD). This alteration is expected to result in loss of function by premature protein truncation or nonsense-mediated mRNA decay. As such, this alteration is interpreted as a disease-causing mutation.

NM_000051.4(ATM):c.6335dup (p.Cys2112fs)

Genes: ATM (ATM serine/threonine kinase; plus strand), C11orf65 (chromosome 11 open reading frame 65; minus strand). Cytogenetic location: 11q22.3.
Variant type: Duplication.
Coding change: c.6335dup on transcript NM_000051.4 (MANE Select); coding-DNA position 6335, one base duplicated (G; older notation c.6335dupG).
Protein change: p.Cys2112fs; shifts the reading frame from cysteine 2112.
Molecular consequence: frameshift variant. On other transcripts: intron variant (2).
Genome position (GRCh38, 1-based): chr11:108,317,509, G duplicated. VCF-style (leftmost placement, unchanged base first): chr11-108317508-T-TG. GRCh37 (hg19) VCF-style: chr11-108188235-T-TG.
Other names: c.6335dupG (NM_000051.3); c.6335dup, p.Cys2112fs (NM_001351834.2); c.641-8438dup (NM_001330368.2); c.*39-8438dup (NM_001351110.2); short protein forms C2112fs.
Identifiers: ClinVar variation 2453968 (VCV002453968.2), dbSNP rs2547117301, ClinGen allele CA2580083399.